The following is an entry in ClinVar:

ClinVar aggregate classification (germline): Likely benign. Review status: criteria provided, multiple submitters, no conflicts (2 of 4 stars). 3 submissions from 3 submitters: Likely benign (2). 1 of the submissions does not count toward it. Last evaluated 2019-08-18.

Conditions:
GNAS-related disorder. Identifiers: MedGen CN380105.

Allele frequency attached by ClinVar (database versions not stated): gnomAD 0.00018; gnomAD exomes 0.00168.

Submissions (3):

GeneDx
Classification: Likely benign. Last evaluated: 2019-08-18. Review status: criteria provided, single submitter. Criteria: GeneDx Variant Classification Process June 2021. Collection method: clinical testing. Allele origin: germline. Affected: yes.

Breakthrough Genomics
Classification: Likely benign. Review status: criteria provided, single submitter. Criteria: ACMG Guidelines, 2015. Collection method: not provided. Allele origin: germline. Inheritance: Autosomal dominant inheritance. Affected: yes.

PreventionGenetics, part of Exact Sciences
Classification: Likely benign for GNAS-related condition. Last evaluated: 2022-12-20. Review status: no assertion criteria provided. Collection method: clinical testing. Allele origin: germline. Not counted in ClinVar's aggregate classification.
Comment: This variant is classified as likely benign based on ACMG/AMP sequence variant interpretation guidelines (Richards et al. 2015 PMID: 25741868, with internal and published modifications).

NM_080425.4(GNAS):c.1399G>T (p.Ala467Ser)

Gene: GNAS (GNAS complex locus; plus strand). Cytogenetic location: 20q13.32.
Variant type: single nucleotide variant.
Coding change: c.1399G>T on transcript NM_080425.4 (MANE Plus Clinical); coding-DNA position 1399, G replaced by T.
Protein change: p.Ala467Ser; replaces alanine 467 with serine.
Molecular consequence: missense variant. On other transcripts: intron variant (3).
Genome position (GRCh38, 1-based): chr20:58,854,664, G>T. VCF-style: chr20-58854664-G-T. GRCh37 (hg19) VCF-style: chr20-57429719-G-T.
Other names: c.43+13778G>T (NM_001410912.1); c.-39+12789G>T (NM_001309861.2); c.1212G>T, p.Met404Ile (NM_001077490.3, NM_001309883.1); c.1399G>T, p.Ala467Ser (NM_001410913.1); c.*42+13778G>T (NM_016592.5); short protein forms A467S, M404I.
Identifiers: ClinVar variation 1175414 (VCV001175414.7), dbSNP rs56371919, ClinGen allele CA316342619.